The following is an entry in ClinVar:

ClinVar aggregate classification (germline): Conflicting classifications of pathogenicity. Review status: criteria provided, conflicting classifications (1 of 4 stars). 2 submissions from 2 submitters: Pathogenic (1); Uncertain significance (1). Last evaluated 2024-09-17.

Conditions:
Charcot-Marie-Tooth disease type 2A2. Also called: CHARCOT-MARIE-TOOTH DISEASE, AXONAL, TYPE 2A2; CHARCOT-MARIE-TOOTH DISEASE, NEURONAL, TYPE 2A2; HEREDITARY MOTOR AND SENSORY NEUROPATHY IIA2; HMSN IIA2; CHARCOT-MARIE-TOOTH DISEASE, AXONAL, AUTOSOMAL DOMINANT, TYPE 2A2A; Charcot-Marie-Tooth Neuropathy Type 2A2. Identifiers: Orphanet 99947, MedGen C4721887, MONDO:0012231, OMIM 609260.
Charcot-Marie-Tooth disease type 2. Also called: Charcot-Marie-Tooth type 2. Identifiers: Orphanet 64746, MedGen C0270914, MONDO:0018993.

Submissions (2):

Labcorp Genetics (formerly Invitae), Labcorp
Classification: Pathogenic for Charcot-Marie-Tooth disease type 2. Last evaluated: 2024-09-17. Review status: criteria provided, single submitter. Criteria: Invitae Variant Classification Sherloc (09022015). Collection method: clinical testing. Allele origin: germline.
Comment: This sequence change replaces lysine, which is basic and polar, with glutamic acid, which is acidic and polar, at codon 307 of the MFN2 protein (p.Lys307Glu). This variant is not present in population databases (gnomAD no frequency). This missense change has been observed in individual(s) with clinical features of autosomal dominant Charcot-Marie-Tooth disease (PMID: 26801520; internal data). In at least one individual the variant was observed to be de novo. ClinVar contains an entry for this variant (Variation ID: 933228). Invitae Evidence Modeling of protein sequence and biophysical properties (such as structural, functional, and spatial information, amino acid conservation, physicochemical variation, residue mobility, and thermodynamic stability) indicates that this missense variant is expected to disrupt MFN2 protein function with a positive predictive value of 95%. For these reasons, this variant has been classified as Pathogenic.

Center for Human Genetics and Genomic Medicine, Uniklinik Rwth Aachen
Classification: Uncertain significance for Charcot-Marie-Tooth disease type 2A2. Last evaluated: 2020-05-19. Review status: criteria provided, single submitter. Criteria: ACMG Guidelines, 2015. Collection method: clinical testing. Allele origin: unknown. Affected: yes. Observed: 1 heterozygote.

Literature cited by the submitters: PubMed 26801520 (cited by Labcorp Genetics (formerly Invitae), Labcorp).

NM_014874.4(MFN2):c.919A>G (p.Lys307Glu)

Gene: MFN2 (mitofusin 2; plus strand). Cytogenetic location: 1p36.22.
Variant type: single nucleotide variant.
Coding change: c.919A>G on transcript NM_014874.4 (MANE Select); coding-DNA position 919, A replaced by G.
Protein change: p.Lys307Glu; replaces lysine 307 with glutamic acid.
Molecular consequence: missense variant.
Genome position (GRCh38, 1-based): chr1:12,001,503, A>G. VCF-style: chr1-12001503-A-G. GRCh37 (hg19) VCF-style: chr1-12061560-A-G.
Other names: c.919A>G, p.Lys307Glu (NM_001127660.2); short protein forms K307E.
Identifiers: ClinVar variation 933228 (VCV000933228.10), dbSNP rs1639171700, ClinGen allele CA338441865.